The following is an entry in ClinVar:

NM_000268.4(NF2):c.1579G>T (p.Glu527Ter)

Gene: NF2 (NF2, moesin-ezrin-radixin like (MERLIN) tumor suppressor; plus strand). Cytogenetic location: 22q12.2.
Variant type: single nucleotide variant.
Coding change: c.1579G>T on transcript NM_000268.4 (MANE Select); coding-DNA position 1579, G replaced by T.
Protein change: p.Glu527Ter; replaces glutamic acid 527 with a stop codon.
Molecular consequence: nonsense. On other transcripts: non-coding transcript variant (1), intron variant (1).
Genome position (GRCh38, 1-based): chr22:29,681,443, G>T. VCF-style: chr22-29681443-G-T. GRCh37 (hg19) VCF-style: chr22-30077432-G-T.
Other names: c.1579G>T, p.Glu527Ter (NM_016418.5, NM_181825.3, NM_181832.3); c.1453G>T, p.Glu485Ter (NM_181828.3); c.1456G>T, p.Glu486Ter (NM_181829.3); c.1330G>T, p.Glu444Ter (NM_181830.3, NM_181831.3); c.448-13309G>T (NM_181833.3); short protein forms E527*, E485*, E486*, E444*.
Identifiers: ClinVar variation 3296 (VCV000003296.6), dbSNP rs74315505, ClinGen allele CA021349.

ClinVar aggregate classification (germline): Pathogenic. Review status: criteria provided, multiple submitters, no conflicts (2 of 4 stars). 3 submissions from 3 submitters: Pathogenic (2). 1 of the submissions does not count toward it. Last evaluated 2025-03-12.

Conditions:
Neurofibromatosis, type 2 (SWNV). Also called: NF2-Related Schwannomatosis; BILATERAL ACOUSTIC NEUROFIBROMATOSIS; SCHWANNOMATOSIS, VESTIBULAR. Identifiers: Orphanet 637, MedGen C0027832, MONDO:0007039, OMIM 101000. Disease mechanism: loss of function.

Allele frequency attached by ClinVar (database versions not stated): gnomAD exomes below 0.00001.
gnomAD v4.1: 1 of 1,614,028 alleles (0.000062%); highest among the groups gnomAD compares: Non-Finnish European, 0.000085%; no homozygotes.

Submissions (3):

Variantyx, Inc.
Classification: Pathogenic for Neurofibromatosis, type 2. Last evaluated: 2025-03-12. Review status: criteria provided, single submitter. Criteria: Variantyx Assertion Criteria 2022. Collection method: clinical testing. Allele origin: germline.
Comment: This is a nonsense variant in the NF2 gene (OMIM: 607379). Pathogenic variants in this gene have been associated with autosomal dominant vestibular schwannomatosis. This variant introduces a premature termination codon in exon 15 out of 16. It is expected to result in loss of function, which is a known disease mechanism for NF2 in this disorder (PMID: 7913580, 9817927, 11159946) (PVS1). This variant has been reported in at least 3 unrelated affected individual(s) (PMID: 7913580, 34440452) (PS4_Moderate). This variant has a 0.0003% maximum allele frequency in non-founder control populations (PM2_Supporting). Based on the current evidence, this variant is classified as pathogenic for autosomal dominant vestibular schwannomatosis.

Center of Genomic medicine, Geneva, University Hospital of Geneva
Classification: Pathogenic for Neurofibromatosis, type 2. Last evaluated: 2018-12-04. Review status: criteria provided, single submitter. Criteria: ACMG Guidelines, 2015. Collection method: clinical testing. Allele origin: germline. Affected: yes.

OMIM
Classification: Pathogenic for SHWANNOMATOSIS, VESTIBULAR. Last evaluated: 1994-08-01. Review status: no assertion criteria provided. Collection method: literature only. Allele origin: germline. Not counted in ClinVar's aggregate classification.

Literature cited by the submitters: PubMed 7913580 (cited by OMIM).